The following is an entry in ClinVar:

ClinVar aggregate classification (germline): Uncertain significance (1 of 4 stars; one submission).

Conditions:
Hereditary breast ovarian cancer syndrome. Also called: Hereditary breast and ovarian cancer; Hereditary breast and ovarian cancer syndrome; Hereditary breast and ovarian cancer syndrome (HBOC); Breast and ovarian cancer; Hereditary breast and/or ovarian cancer syndrome; BRCA1- and BRCA2-Associated Hereditary Breast and Ovarian Cancer. Identifiers: Orphanet 145, MedGen C0677776, MeSH D061325, MONDO:0003582. Disease mechanism: loss of function.

Allele frequency attached by ClinVar (database versions not stated): TOPMed 0.00011; gnomAD 0.00005.
gnomAD v4.1: 12 of 374,450 alleles (0.0032%); highest among the groups gnomAD compares: African/African-American, 0.025%; no homozygotes.

Submission:

Labcorp Genetics (formerly Invitae), Labcorp
Classification: Uncertain significance for Hereditary breast ovarian cancer syndrome. Last evaluated: 2025-12-17. Review status: criteria provided, single submitter. Criteria: Invitae Variant Classification Sherloc (09022015). Collection method: clinical testing. Allele origin: germline.
Comment: This variant occurs in a non-coding region of the BRCA1 gene. It does not change the encoded amino acid sequence of the BRCA1 protein. This variant is present in population databases (no rsID available, gnomAD 0.05%). This variant has been observed in individual(s) with hereditary breast and ovarian cancer syndrome (PMID: 29236234). ClinVar contains an entry for this variant (Variation ID: 2181309). In summary, the available evidence is currently insufficient to determine the role of this variant in disease. Therefore, it has been classified as a Variant of Uncertain Significance.

Literature cited by the submitters: PubMed 29236234.

NC_000017.11:g.43125428G>A

Genes: BRCA1 (BRCA1 DNA repair associated; minus strand), LOC111589215 (BRCA1 promoter region; plus strand). Cytogenetic location: 17q21.31.
Variant type: single nucleotide variant.
Molecular consequence: intron variant (on NM_001408458.1).
Genome position: GRCh38 VCF-style: chr17-43125428-G-A. GRCh37 (hg19) VCF-style: chr17-41277445-G-A.
Other names: c.-177C>T (NM_007294.3); c.-61-9649C>T (NM_001408458.1).
Identifiers: ClinVar variation 2181309 (VCV002181309.3), dbSNP rs916153090, ClinGen allele CA290828348.
Genomic context (GRCh38, chr17:43,125,428, plus strand): 5'-CTCACGCCGCGCAGTCGCAGTTTTAATTTATCTGTAATTCCCGCGCTTTTCCGTTGCCAC[G>A]GAAACCAAGGGGCTACCGCTAAGCAGCAGCCTCTCAGAATACGAAATCAAGGTACAATCA-3'